The following is an entry in ClinVar:

NM_019066.5(MAGEL2):c.880G>T (p.Ala294Ser)

Gene: MAGEL2 (MAGE family member L2; minus strand). Cytogenetic location: 15q11.2.
Variant type: single nucleotide variant.
Coding change: c.880G>T on transcript NM_019066.5 (MANE Select); coding-DNA position 880, G replaced by T.
Protein change: p.Ala294Ser; replaces alanine 294 with serine.
Molecular consequence: missense variant.
Genome position (GRCh38, 1-based): chr15:23,646,863, C>A on the plus strand (G>T on the coding strand, the complement: MAGEL2 is on the minus strand). VCF-style: chr15-23646863-C-A. GRCh37 (hg19) VCF-style: chr15-23892010-C-A.
Other names: short protein forms A294S.
Identifiers: ClinVar variation 4803558 (VCV004803558.1).

ClinVar aggregate classification (germline): Uncertain significance (1 of 4 stars; one submission).

Submission:

Labcorp Genetics (formerly Invitae), Labcorp
Classification: Uncertain significance. Last evaluated: 2025-02-12. Review status: criteria provided, single submitter. Criteria: Invitae Variant Classification Sherloc (09022015). Collection method: clinical testing. Allele origin: germline.
Comment: This sequence change replaces alanine, which is neutral and non-polar, with serine, which is neutral and polar, at codon 294 of the MAGEL2 protein (p.Ala294Ser). This variant is not present in population databases (gnomAD no frequency). This variant has not been reported in the literature in individuals affected with MAGEL2-related conditions. An algorithm developed to predict the effect of missense changes on protein structure and function outputs the following: PolyPhen-2: "Not Available". The serine amino acid residue is found in multiple mammalian species, which suggests that this missense change does not adversely affect protein function. In summary, the available evidence is currently insufficient to determine the role of this variant in disease. Therefore, it has been classified as a Variant of Uncertain Significance.